The following is an entry in ClinVar:

ClinVar aggregate classification (germline): Uncertain significance (1 of 4 stars; one submission).

gnomAD v4.1: 4 of 1,582,918 alleles (0.00025%); highest among the groups gnomAD compares: Non-Finnish European, 0.00034%; no homozygotes.

Submission:

Labcorp Genetics (formerly Invitae), Labcorp
Classification: Uncertain significance. Last evaluated: 2024-09-10. Review status: criteria provided, single submitter. Criteria: Invitae Variant Classification Sherloc (09022015). Collection method: clinical testing. Allele origin: germline.
Comment: This sequence change replaces proline, which is neutral and non-polar, with serine, which is neutral and polar, at codon 285 of the KIF2A protein (p.Pro285Ser). This variant is not present in population databases (gnomAD no frequency). This variant has not been reported in the literature in individuals affected with KIF2A-related conditions. An algorithm developed to predict the effect of missense changes on protein structure and function (PolyPhen-2) suggests that this variant is likely to be tolerated. In summary, the available evidence is currently insufficient to determine the role of this variant in disease. Therefore, it has been classified as a Variant of Uncertain Significance.

NM_001098511.3(KIF2A):c.853C>T (p.Pro285Ser)

Gene: KIF2A (kinesin family member 2A; plus strand). Cytogenetic location: 5q12.1.
Variant type: single nucleotide variant.
Coding change: c.853C>T on transcript NM_001098511.3 (MANE Select); coding-DNA position 853, C replaced by T.
Protein change: p.Pro285Ser; replaces proline 285 with serine.
Molecular consequence: missense variant.
Genome position (GRCh38, 1-based): chr5:62,358,280, C>T. VCF-style: chr5-62358280-C-T. GRCh37 (hg19) VCF-style: chr5-61654107-C-T.
Other names: c.772C>T, p.Pro258Ser (NM_001243952.2); c.796C>T, p.Pro266Ser (NM_001243953.2); c.853C>T, p.Pro285Ser (NM_004520.5); short protein forms P258S, P266S, P285S.
Identifiers: ClinVar variation 3622220 (VCV003622220.2).
Genomic context (GRCh38, chr5:62,358,280, plus strand): 5'-TTAACAAGGTACCTAGAAAACCAAACATTTCGTTTTGATTATGCCTTTGATGACTCAGCT[C>T]CTAATGAAATGGTTTACAGGTAGGTAAATTCATTTTAAATCAGAATTTTGTTCTTATGCC-3'
Protein context (NP_001091981.1, residues 275-295): RFDYAFDDSA[Pro285Ser]NEMVYRFTAR